The following is an entry in ClinVar:

NM_052845.4(MMAB):c.539C>T (p.Ser180Leu)

Gene: MMAB (metabolism of cobalamin associated B; minus strand). Cytogenetic location: 12q24.11.
Variant type: single nucleotide variant.
Coding change: c.539C>T on transcript NM_052845.4 (MANE Select); coding-DNA position 539, C replaced by T.
Protein change: p.Ser180Leu; replaces serine 180 with leucine.
Molecular consequence: missense variant. On other transcripts: non-coding transcript variant (1).
Genome position (GRCh38, 1-based): chr12:109,561,085, G>A on the plus strand (C>T on the coding strand, the complement: MMAB is on the minus strand). VCF-style: chr12-109561085-G-A. GRCh37 (hg19) VCF-style: chr12-109998890-G-A.
Other names: short protein forms S180L.
Identifiers: ClinVar variation 991631 (VCV000991631.4), dbSNP rs368584846, ClinGen allele CA6778837.

ClinVar aggregate classification (germline): Uncertain significance. Review status: criteria provided, single submitter (1 of 4 stars). 2 submissions from 2 submitters: Uncertain significance (1). 1 of the submissions does not count toward it. Last evaluated 2022-06-20.

Conditions:
Methylmalonic aciduria, cblB type (MACB). Also called: METHYLMALONIC ACIDURIA, VITAMIN B12-RESPONSIVE, DUE TO DEFECT IN SYNTHESIS OF ADENOSYLCOBALAMIN, cblB TYPE; Vitamin B12-responsive methylmalonic acidemia type cblB; Methylmalonic acidemia cblB type. Identifiers: Orphanet 28, Orphanet 79311, MedGen C1855102, MONDO:0009614, OMIM 251110.

Allele frequency attached by ClinVar (database versions not stated): ExAC 0.00001; gnomAD exomes 0.00001 and 0.00003; TOPMed 0.00001; gnomAD 0.00003; ESP Exome Variant Server 0.00008.
gnomAD v4.1: 41 of 1,603,102 alleles (0.0026%); highest among the groups gnomAD compares: African/African-American, 0.0054%; no homozygotes.

Submissions (2):

Labcorp Genetics (formerly Invitae), Labcorp
Classification: Uncertain significance for Methylmalonic aciduria, cblB type. Last evaluated: 2022-06-20. Review status: criteria provided, single submitter. Criteria: Invitae Variant Classification Sherloc (09022015). Collection method: clinical testing. Allele origin: germline.
Comment: This sequence change replaces serine, which is neutral and polar, with leucine, which is neutral and non-polar, at codon 180 of the MMAB protein (p.Ser180Leu). This variant is present in population databases (rs368584846, gnomAD 0.01%). This variant has not been reported in the literature in individuals affected with MMAB-related conditions. ClinVar contains an entry for this variant (Variation ID: 991631). Advanced modeling of protein sequence and biophysical properties (such as structural, functional, and spatial information, amino acid conservation, physicochemical variation, residue mobility, and thermodynamic stability) performed at Invitae indicates that this missense variant is expected to disrupt MMAB protein function. In summary, the available evidence is currently insufficient to determine the role of this variant in disease. Therefore, it has been classified as a Variant of Uncertain Significance.

Natera, Inc.
Classification: Uncertain significance for Methylmalonic aciduria cblB type. Last evaluated: 2020-04-10. Review status: no assertion criteria provided. Collection method: clinical testing. Allele origin: germline. Not counted in ClinVar's aggregate classification.